The following is an entry in ClinVar:

NM_002340.6(LSS):c.1097C>G (p.Pro366Arg)

Gene: LSS (lanosterol synthase; minus strand). Cytogenetic location: 21q22.3.
Variant type: single nucleotide variant.
Coding change: c.1097C>G on transcript NM_002340.6 (MANE Select); coding-DNA position 1097, C replaced by G.
Protein change: p.Pro366Arg; replaces proline 366 with arginine.
Molecular consequence: missense variant.
Genome position (GRCh38, 1-based): chr21:46,213,750, G>C on the plus strand (C>G on the coding strand, the complement: LSS is on the minus strand). VCF-style: chr21-46213750-G-C. GRCh37 (hg19) VCF-style: chr21-47633664-G-C.
Other names: c.1097C>G, p.Pro366Arg (NM_001001438.3); c.1064C>G, p.Pro355Arg (NM_001145436.2); c.857C>G, p.Pro286Arg (NM_001145437.2); short protein forms P286R, P355R, P366R.
Identifiers: ClinVar variation 3728010 (VCV003728010.2).

ClinVar aggregate classification (germline): Uncertain significance (1 of 4 stars; one submission).

Submission:

Labcorp Genetics (formerly Invitae), Labcorp
Classification: Uncertain significance. Last evaluated: 2025-03-06. Review status: criteria provided, single submitter. Criteria: Invitae Variant Classification Sherloc (09022015). Collection method: clinical testing. Allele origin: germline.
Comment: This sequence change replaces proline, which is neutral and non-polar, with arginine, which is basic and polar, at codon 366 of the LSS protein (p.Pro366Arg). This variant is not present in population databases (gnomAD no frequency). This variant has not been reported in the literature in individuals affected with LSS-related conditions. An algorithm developed to predict the effect of missense changes on protein structure and function (PolyPhen-2) suggests that this variant is likely to be tolerated. In summary, the available evidence is currently insufficient to determine the role of this variant in disease. Therefore, it has been classified as a Variant of Uncertain Significance.